The following is an entry in ClinVar:

ClinVar aggregate classification (germline): Uncertain significance (1 of 4 stars; one submission).

Submission:

Labcorp Genetics (formerly Invitae), Labcorp
Classification: Uncertain significance. Last evaluated: 2020-04-18. Review status: criteria provided, single submitter. Criteria: Invitae Variant Classification Sherloc (09022015). Collection method: clinical testing. Allele origin: germline.
Comment: This variant is not present in population databases (ExAC no frequency). This sequence change replaces lysine with glutamine at codon 58 of the C8orf37 protein (p.Lys58Gln). The lysine residue is weakly conserved and there is a small physicochemical difference between lysine and glutamine. In summary, the available evidence is currently insufficient to determine the role of this variant in disease. Therefore, it has been classified as a Variant of Uncertain Significance. Algorithms developed to predict the effect of missense changes on protein structure and function (SIFT, PolyPhen-2, Align-GVGD) all suggest that this variant is likely to be tolerated, but these predictions have not been confirmed by published functional studies and their clinical significance is uncertain. This variant has not been reported in the literature in individuals with C8orf37-related conditions.

NM_177965.4(CFAP418):c.172A>C (p.Lys58Gln)

Gene: CFAP418 (cilia and flagella associated protein 418; minus strand). Cytogenetic location: 8q22.1.
Variant type: single nucleotide variant.
Coding change: c.172A>C on transcript NM_177965.4 (MANE Select); coding-DNA position 172, A replaced by C.
Protein change: p.Lys58Gln; replaces lysine 58 with glutamine.
Molecular consequence: missense variant.
Genome position (GRCh38, 1-based): chr8:95,263,758, T>G on the plus strand (A>C on the coding strand, the complement: CFAP418 is on the minus strand). VCF-style: chr8-95263758-T-G. GRCh37 (hg19) VCF-style: chr8-96275986-T-G.
Other names: c.172A>C, p.Lys58Gln (NM_001363260.1); short protein forms K58Q.
Identifiers: ClinVar variation 1016950 (VCV001016950.8), dbSNP rs980446408, ClinGen allele CA371837675.